The following is an entry in ClinVar:

NM_001164508.2(NEB):c.19958C>A (p.Thr6653Asn)

Gene: NEB (nebulin; minus strand). Cytogenetic location: 2q23.3.
Variant type: single nucleotide variant.
Coding change: c.19958C>A on transcript NM_001164508.2 (MANE Select); coding-DNA position 19958, C replaced by A.
Protein change: p.Thr6653Asn; replaces threonine 6653 with asparagine.
Molecular consequence: missense variant.
Genome position (GRCh38, 1-based): chr2:151,549,727, G>T on the plus strand (C>A on the coding strand, the complement: NEB is on the minus strand). VCF-style: chr2-151549727-G-T. GRCh37 (hg19) VCF-style: chr2-152406241-G-T.
Other names: c.19958C>A, p.Thr6653Asn (NM_001164507.2, NM_001271208.2); c.14855C>A, p.Thr4952Asn (NM_004543.5); short protein forms T4952N, T6653N.
Identifiers: ClinVar variation 1370601 (VCV001370601.6), dbSNP rs1379492488, ClinGen allele CA348787042.
Genomic context (GRCh38, chr2:151,549,727, plus strand): 5'-TGTTTGAAGTGAGGAGTGTCACCTGGAAGTCTATATCCAGTGGGCAGGGTGCGCAGGCTG[G>T]TTTTGTATAGATTCTGCAGGAATGAGGAAGAGCAGGTTAAATGACATCGGGCATCAAGTA-3'
Protein context (NP_001157980.2, residues 6643-6663): YKLQSSNLYK[Thr6653Asn]SLRTLPTGYR

ClinVar aggregate classification (germline): Uncertain significance (1 of 4 stars; one submission).

Conditions:
Nemaline myopathy 2 (NEM2). Also called: Nemaline myopathy 2, autosomal recessive. Identifiers: MedGen C1850569, MONDO:0009725, OMIM 256030.

Allele frequency attached by ClinVar (database versions not stated): gnomAD exomes below 0.00001; TOPMed below 0.00001; gnomAD 0.00001.
gnomAD v4.1: 3 of 1,582,582 alleles (0.00019%); highest among the groups gnomAD compares: Non-Finnish European, 0.00026%; no homozygotes.

Submission:

Labcorp Genetics (formerly Invitae), Labcorp
Classification: Uncertain significance for Nemaline myopathy 2. Last evaluated: 2022-07-06. Review status: criteria provided, single submitter. Criteria: Invitae Variant Classification Sherloc (09022015). Collection method: clinical testing. Allele origin: germline.
Comment: This sequence change replaces threonine, which is neutral and polar, with asparagine, which is neutral and polar, at codon 6653 of the NEB protein (p.Thr6653Asn). This variant is present in population databases (no rsID available, gnomAD 0.007%). This variant has not been reported in the literature in individuals affected with NEB-related conditions. ClinVar contains an entry for this variant (Variation ID: 1370601). Algorithms developed to predict the effect of missense changes on protein structure and function are either unavailable or do not agree on the potential impact of this missense change (SIFT: "Tolerated"; PolyPhen-2: "Not Available"; Align-GVGD: "Class C0"). In summary, the available evidence is currently insufficient to determine the role of this variant in disease. Therefore, it has been classified as a Variant of Uncertain Significance.